The following is an entry in ClinVar:

ClinVar aggregate classification (germline): Likely pathogenic (1 of 4 stars; one submission).

Conditions:
Autosomal recessive limb-girdle muscular dystrophy type 2J (LGMDR10). Also called: Limb-girdle muscular dystrophy, type 2J; MUSCULAR DYSTROPHY, LIMB-GIRDLE, AUTOSOMAL RECESSIVE 10. Identifiers: Orphanet 140922, MedGen C1837342, MONDO:0012127, OMIM 608807.
Dilated cardiomyopathy 1G (CMD1G). Identifiers: Orphanet 154, MedGen C1858763, MONDO:0011400, OMIM 604145.

Submission:

Labcorp Genetics (formerly Invitae), Labcorp
Classification: Likely pathogenic for Dilated cardiomyopathy 1G; Autosomal recessive limb-girdle muscular dystrophy type 2J. Last evaluated: 2024-05-15. Review status: criteria provided, single submitter. Criteria: Invitae Variant Classification Sherloc (09022015). Collection method: clinical testing. Allele origin: germline.
Comment: This sequence change affects a donor splice site in intron 202 of the TTN gene. It is expected to disrupt RNA splicing and likely results in a truncated or disrupted TTN protein. This variant is not present in population databases (gnomAD no frequency). This variant has not been reported in the literature in individuals affected with TTN-related conditions. Algorithms developed to predict the effect of sequence changes on RNA splicing suggest that this variant may disrupt the consensus splice site. This variant is located in the I band of TTN (PMID: 25589632). Truncating variants in this region have been reported in individuals affected with autosomal recessive centronuclear myopathy (PMID: 23975875, Invitae internal data). Truncating variants in this region have also been identified in individuals affected with autosomal dominant dilated cardiomyopathy and/or cardio-related conditions (PMID: 27869827, 32964742, Invitae internal data). In summary, the currently available evidence indicates that the variant is pathogenic, but additional data are needed to prove that conclusively. Therefore, this variant has been classified as Likely Pathogenic.

Literature cited by the submitters: PubMed 25589632; PubMed 23975875; PubMed 27869827; PubMed 32964742.

NM_001267550.2(TTN):c.39127+2T>C

Gene: TTN (titin; minus strand). Cytogenetic location: 2q31.2.
Variant type: single nucleotide variant.
Coding change: c.39127+2T>C on transcript NM_001267550.2 (MANE Select); the canonical splice donor site of the intron after coding-DNA position 39127, T replaced by C.
Molecular consequence: splice donor variant. On other transcripts: intron variant (3).
Genome position (GRCh38, 1-based): chr2:178,652,456, A>G on the plus strand (T>C on the coding strand, the complement: TTN is on the minus strand). VCF-style: chr2-178652456-A-G. GRCh37 (hg19) VCF-style: chr2-179517183-A-G.
Other names: c.13283-10139T>C (NM_003319.4); c.13859-10139T>C (NM_133437.4); c.13658-10139T>C (NM_133432.3); c.31825+2T>C (NM_133378.4); c.34606+2T>C (NM_001256850.1).
Identifiers: ClinVar variation 3751200 (VCV003751200.2).
Genomic context (GRCh38, chr2:178,652,456, plus strand): 5'-GAAAAATACTTTCCAGAGCAGAAGAGTTTGATCATCTGAAGCCTAAAATCAGTGACAAAT[A>G]CCTTTAACAGGTGTGACTTCAGGCTTTTTAGGAGGAGCCGCTGGCACTTTCTTTTCAGGA-3'